The following is an entry in ClinVar:

ClinVar aggregate classification (germline): Conflicting classifications of pathogenicity. Review status: criteria provided, conflicting classifications (1 of 4 stars). 5 submissions from 5 submitters: Uncertain significance (1); Likely benign (4). Last evaluated 2026-07-28.

Conditions:
FGFR3-related disorder. Also called: FGFR3-related disorders.

Allele frequency attached by ClinVar (database versions not stated): gnomAD exomes 0.00008 and 0.00017; gnomAD 0.00009; ExAC 0.00012; TOPMed 0.00012; ESP Exome Variant Server 0.00038.
gnomAD v4.1: 151 of 1,611,528 alleles (0.0094%); highest among the groups gnomAD compares: African/African-American, 0.004%; no homozygotes.

Submissions (5):

PreventionGenetics, part of Exact Sciences
Classification: Likely benign for FGFR3-related condition. Last evaluated: 2026-07-28. Review status: criteria provided, single submitter. Criteria: ACMG Guidelines, 2015. Collection method: clinical testing. Allele origin: germline.
Comment: This variant is classified as likely benign based on ACMG/AMP sequence variant interpretation guidelines (Richards et al. 2015 PMID: 25741868, with internal and published modifications).

Women's Health and Genetics/Laboratory Corporation of America, LabCorp
Classification: Uncertain significance. Last evaluated: 2026-01-13. Review status: criteria provided, single submitter. Criteria: LabCorp Variant Classification Summary - May 2015. Collection method: clinical testing. Allele origin: germline.
Comment: Variant summary: FGFR3 c.2207C>A (p.Ser736Tyr) results in a non-conservative amino acid change in the encoded protein sequence. Algorithms developed to predict the effect of missense changes on protein structure and function all suggest that this variant is likely to be disruptive. The variant allele was found at a frequency of 0.00017 in 244220 control chromosomes. This frequency is not significantly higher than estimated for disease-causing variants in FGFR3, allowing no conclusion about variant significance. To our knowledge, no occurrence of c.2207C>A in individuals affected with FGFR3-related conditions and no experimental evidence demonstrating its impact on protein function have been reported. ClinVar contains an entry for this variant (Variation ID: 1193084). Based on the evidence outlined above, the variant was classified as uncertain significance.

Labcorp Genetics (formerly Invitae), Labcorp
Classification: Likely benign. Last evaluated: 2025-06-26. Review status: criteria provided, single submitter. Criteria: Invitae Variant Classification Sherloc (09022015). Collection method: clinical testing. Allele origin: germline.

GeneDx
Classification: Likely benign. Last evaluated: 2019-06-04. Review status: criteria provided, single submitter. Criteria: GeneDx Variant Classification Process June 2021. Collection method: clinical testing. Allele origin: germline. Affected: yes.
Comment: Has not been previously published as pathogenic or benign to our knowledge

Breakthrough Genomics
Classification: Likely benign. Review status: criteria provided, single submitter. Criteria: ACMG Guidelines, 2015. Collection method: not provided. Allele origin: germline. Inheritance: Autosomal dominant inheritance. Affected: yes.

NM_000142.5(FGFR3):c.2207C>A (p.Ser736Tyr)

Gene: FGFR3 (fibroblast growth factor receptor 3; plus strand). Cytogenetic location: 4p16.3.
Variant type: single nucleotide variant.
Coding change: c.2207C>A on transcript NM_000142.5 (MANE Select); coding-DNA position 2207, C replaced by A.
Protein change: p.Ser736Tyr; replaces serine 736 with tyrosine.
Molecular consequence: missense variant. On other transcripts: synonymous variant (1), non-coding transcript variant (1).
Genome position (GRCh38, 1-based): chr4:1,806,867, C>A. VCF-style: chr4-1806867-C-A. GRCh37 (hg19) VCF-style: chr4-1808594-C-A.
Other names: c.2213C>A, p.Ser738Tyr (NM_001163213.2); c.2210C>A, p.Ser737Tyr (NM_001354809.2); c.2139C>A, p.Leu713= (NM_001354810.2); c.1871C>A, p.Ser624Tyr (NM_022965.4); short protein forms S624Y, S736Y, S737Y, S738Y.
Identifiers: ClinVar variation 1193084 (VCV001193084.13), dbSNP rs148631462, ClinGen allele CA2810775.
Genomic context (GRCh38, chr4:1,806,867, plus strand): 5'-CTCCTGAGCGCCCTGCCCGCAGGTACATGATCATGCGGGAGTGCTGGCATGCCGCGCCCT[C>A]CCAGAGGCCCACCTTCAAGCAGCTGGTGGAGGACCTGGACCGTGTCCTTACCGTGACGTC-3'
Protein context (NP_000133.1, residues 726-746): IMRECWHAAP[Ser736Tyr]QRPTFKQLVE